The following is an entry in ClinVar:

ClinVar aggregate classification (germline): Uncertain significance (1 of 4 stars; one submission).

Allele frequency attached by ClinVar (database versions not stated): gnomAD 0.00001; gnomAD exomes 0.00003; ExAC 0.00002.
gnomAD v4.1: 8 of 1,613,264 alleles (0.0005%); highest among the groups gnomAD compares: Admixed American, 0.013%; no homozygotes.

Submission:

Labcorp Genetics (formerly Invitae), Labcorp
Classification: Uncertain significance. Last evaluated: 2022-08-23. Review status: criteria provided, single submitter. Criteria: Invitae Variant Classification Sherloc (09022015). Collection method: clinical testing. Allele origin: germline.
Comment: This sequence change replaces asparagine, which is neutral and polar, with lysine, which is basic and polar, at codon 2372 of the VPS13A protein (p.Asn2372Lys). This variant is present in population databases (rs768898784, gnomAD 0.02%). This variant has not been reported in the literature in individuals affected with VPS13A-related conditions. ClinVar contains an entry for this variant (Variation ID: 1365061). Algorithms developed to predict the effect of missense changes on protein structure and function (SIFT, PolyPhen-2, Align-GVGD) all suggest that this variant is likely to be tolerated. In summary, the available evidence is currently insufficient to determine the role of this variant in disease. Therefore, it has been classified as a Variant of Uncertain Significance.

NM_033305.3(VPS13A):c.7116C>G (p.Asn2372Lys)

Gene: VPS13A (vacuolar protein sorting 13 homolog A; plus strand). Cytogenetic location: 9q21.2.
Variant type: single nucleotide variant.
Coding change: c.7116C>G on transcript NM_033305.3 (MANE Select); coding-DNA position 7116, C replaced by G.
Protein change: p.Asn2372Lys; replaces asparagine 2372 with lysine.
Molecular consequence: missense variant.
Genome position (GRCh38, 1-based): chr9:77,344,242, C>G. VCF-style: chr9-77344242-C-G. GRCh37 (hg19) VCF-style: chr9-79959158-C-G.
Other names: c.6999C>G, p.Asn2333Lys (NM_001018037.2); c.7116C>G, p.Asn2372Lys (NM_001018038.3, NM_015186.4); short protein forms N2333K, N2372K.
Identifiers: ClinVar variation 1365061 (VCV001365061.3), dbSNP rs768898784, ClinGen allele CA5093215.